The following is an entry in ClinVar:

ClinVar aggregate classification (germline): Uncertain significance. Review status: criteria provided, multiple submitters, no conflicts (2 of 4 stars). 2 submissions from 2 submitters: Uncertain significance (2). Last evaluated 2025-11-08.

Conditions:
Inborn genetic diseases. Identifiers: MedGen C0950123, MeSH D030342.

gnomAD v4.1: 3 of 1,614,032 alleles (0.00019%); highest among the groups gnomAD compares: African/African-American, 0.0027%; no homozygotes.

Submissions (2):

Labcorp Genetics (formerly Invitae), Labcorp
Classification: Uncertain significance. Last evaluated: 2025-11-08. Review status: criteria provided, single submitter. Criteria: Invitae Variant Classification Sherloc (09022015). Collection method: clinical testing. Allele origin: germline.
Comment: This sequence change replaces arginine, which is basic and polar, with cysteine, which is neutral and slightly polar, at codon 326 of the SRCAP protein (p.Arg326Cys). This variant is not present in population databases (gnomAD no frequency). This missense change has been observed in individual(s) with clinical features of Floating-Harbor syndrome (internal data). ClinVar contains an entry for this variant (Variation ID: 3449219). Invitae Evidence Modeling of protein sequence and biophysical properties (such as structural, functional, and spatial information, amino acid conservation, physicochemical variation, residue mobility, and thermodynamic stability) indicates that this missense variant is not expected to disrupt SRCAP protein function with a negative predictive value of 80%. In summary, the available evidence is currently insufficient to determine the role of this variant in disease. Therefore, it has been classified as a Variant of Uncertain Significance.

Ambry Genetics
Classification: Uncertain significance for Inborn genetic diseases. Last evaluated: 2024-12-10. Review status: criteria provided, single submitter. Criteria: Ambry Variant Classification Scheme 2023. Collection method: clinical testing. Allele origin: germline.

NM_006662.3(SRCAP):c.976C>T (p.Arg326Cys)

Gene: SRCAP (Snf2 related CREBBP activator protein; plus strand). Cytogenetic location: 16p11.2.
Variant type: single nucleotide variant.
Coding change: c.976C>T on transcript NM_006662.3 (MANE Select); coding-DNA position 976, C replaced by T.
Protein change: p.Arg326Cys; replaces arginine 326 with cysteine.
Molecular consequence: missense variant.
Genome position (GRCh38, 1-based): chr16:30,709,970, C>T. VCF-style: chr16-30709970-C-T. GRCh37 (hg19) VCF-style: chr16-30721291-C-T.
Other names: short protein forms R326C.
Identifiers: ClinVar variation 3449219 (VCV003449219.2).